The following is an entry in ClinVar:

NM_000321.3(RB1):c.1664A>G (p.His555Arg)

Gene: RB1 (RB transcriptional corepressor 1; plus strand). Cytogenetic location: 13q14.2.
Variant type: single nucleotide variant.
Coding change: c.1664A>G on transcript NM_000321.3 (MANE Select); coding-DNA position 1664, A replaced by G.
Protein change: p.His555Arg; replaces histidine 555 with arginine.
Molecular consequence: missense variant.
Genome position (GRCh38, 1-based): chr13:48,381,412, A>G. VCF-style: chr13-48381412-A-G. GRCh37 (hg19) VCF-style: chr13-48955548-A-G.
Other names: short protein forms H555R.
Identifiers: ClinVar variation 458133 (VCV000458133.11), dbSNP rs1555286700, ClinGen allele CA388163981.

ClinVar aggregate classification (germline): Uncertain significance. Review status: criteria provided, multiple submitters, no conflicts (2 of 4 stars). 2 submissions from 2 submitters: Uncertain significance (2). Last evaluated 2022-02-08.

Conditions:
Hereditary cancer-predisposing syndrome. Also called: Neoplastic Syndromes, Hereditary; Tumor predisposition; Hereditary Cancer Syndrome; Hereditary neoplastic syndrome. Identifiers: Orphanet 140162, MedGen C0027672, MeSH D009386, MONDO:0015356.
Retinoblastoma (RB1). Also called: RETINOBLASTOMA, SOMATIC. Identifiers: Orphanet 790, MedGen C0035335, MeSH D012175, MONDO:0008380, OMIM 180200, HP:0009919. Disease mechanism: loss of function. Inheritance: Both sporadic and heritable forms are tested..

Allele frequency attached by ClinVar (database versions not stated): gnomAD exomes below 0.00001.

Submissions (2):

Ambry Genetics
Classification: Uncertain significance for Hereditary cancer-predisposing syndrome. Last evaluated: 2022-02-08. Review status: criteria provided, single submitter. Criteria: Ambry Variant Classification Scheme 2023. Collection method: clinical testing. Allele origin: germline.
Comment: The p.H555R variant (also known as c.1664A>G), located in coding exon 17 of the RB1 gene, results from an A to G substitution at nucleotide position 1664. The histidine at codon 555 is replaced by arginine, an amino acid with highly similar properties. This amino acid position is conserved. In addition, the in silico prediction for this alteration is inconclusive. Since supporting evidence is limited at this time, the clinical significance of this alteration remains unclear.

Labcorp Genetics (formerly Invitae), Labcorp
Classification: Uncertain significance for Retinoblastoma. Last evaluated: 2017-04-18. Review status: criteria provided, single submitter. Criteria: Invitae Variant Classification Sherloc (09022015). Collection method: clinical testing. Allele origin: germline.
Comment: In summary, this variant is a novel missense change with uncertain impact on protein function. It has been classified as a Variant of Uncertain Significance. Algorithms developed to predict the effect of missense changes on protein structure and function do not agree on the potential impact of this missense change (SIFT: "Deleterious"; PolyPhen-2: "Probably Damaging"; Align-GVGD: "Class C0"). This variant is not present in population databases (ExAC no frequency) and has not been reported in the literature in individuals with an RB1-related disease. This sequence change replaces histidine with arginine at codon 555 of the RB1 protein (p.His555Arg). The histidine residue is highly conserved and there is a small physicochemical difference between histidine and arginine.